The following is an entry in ClinVar:

NM_001792.5(CDH2):c.61-1G>A

Gene: CDH2 (cadherin 2; minus strand). Cytogenetic location: 18q12.1.
Variant type: single nucleotide variant.
Coding change: c.61-1G>A on transcript NM_001792.5 (MANE Select); the canonical splice acceptor site of the intron before coding-DNA position 61, G replaced by A.
Molecular consequence: splice acceptor variant.
Genome position (GRCh38, 1-based): chr18:28,147,785, C>T on the plus strand (G>A on the coding strand, the complement: CDH2 is on the minus strand). VCF-style: chr18-28147785-C-T. GRCh37 (hg19) VCF-style: chr18-25727749-C-T.
Identifiers: ClinVar variation 1710571 (VCV001710571.6), dbSNP rs2510778407, ClinGen allele CA402244782.

ClinVar aggregate classification (germline): Uncertain significance. Review status: criteria provided, multiple submitters, no conflicts (2 of 4 stars). 2 submissions from 2 submitters: Uncertain significance (2). Last evaluated 2022-04-15.

Submissions (2):

GeneDx
Classification: Uncertain significance. Last evaluated: 2022-04-15. Review status: criteria provided, single submitter. Criteria: GeneDx Variant Classification Process June 2021. Collection method: clinical testing. Allele origin: germline. Affected: yes.
Comment: Not observed at significant frequency in large population cohorts (gnomAD); Canonical splice site variant in a gene or region of a gene for which loss of function is not a well-established mechanism of disease; Has not been previously published as pathogenic or benign to our knowledge

Labcorp Genetics (formerly Invitae), Labcorp
Classification: Uncertain significance. Last evaluated: 2022-01-11. Review status: criteria provided, single submitter. Criteria: Invitae Variant Classification Sherloc (09022015). Collection method: clinical testing. Allele origin: germline.
Comment: This sequence change affects an acceptor splice site in intron 1 of the CDH2 gene. It is expected to disrupt RNA splicing. Variants that disrupt the donor or acceptor splice site typically lead to a loss of protein function (PMID: 16199547), however the current clinical and genetic evidence is not sufficient to establish whether loss-of-function variants in CDH2 cause disease. In summary, the available evidence is currently insufficient to determine the role of this variant in disease. Therefore, it has been classified as a Variant of Uncertain Significance. Algorithms developed to predict the effect of sequence changes on RNA splicing suggest that this variant may disrupt the consensus splice site. This variant has not been reported in the literature in individuals affected with CDH2-related conditions. This variant is not present in population databases (gnomAD no frequency).

Literature cited by the submitters: PubMed 16199547 (cited by Labcorp Genetics (formerly Invitae), Labcorp).